The following is an entry in ClinVar:

ClinVar aggregate classification (germline): Uncertain significance (1 of 4 stars; one submission).

Submission:

Labcorp Genetics (formerly Invitae), Labcorp
Classification: Uncertain significance. Last evaluated: 2024-04-25. Review status: criteria provided, single submitter. Criteria: Invitae Variant Classification Sherloc (09022015). Collection method: clinical testing. Allele origin: germline.
Comment: This sequence change disrupts the translational stop signal of the PSMG2 mRNA. It is expected to extend the length of the PSMG2 protein by 19 additional amino acid residues. This variant is not present in population databases (gnomAD no frequency). This variant has not been reported in the literature in individuals affected with PSMG2-related conditions. Experimental studies and prediction algorithms are not available or were not evaluated, and the functional significance of this variant is currently unknown. In summary, the available evidence is currently insufficient to determine the role of this variant in disease. Therefore, it has been classified as a Variant of Uncertain Significance.

NM_020232.5(PSMG2):c.794G>C (p.Ter265Ser)

Gene: PSMG2 (proteasome assembly chaperone 2; plus strand). Cytogenetic location: 18p11.21.
Variant type: single nucleotide variant.
Coding change: c.794G>C on transcript NM_020232.5 (MANE Select); coding-DNA position 794, G replaced by C.
Protein change: p.Ter265Ser.
Molecular consequence: stop lost.
Genome position (GRCh38, 1-based): chr18:12,725,530, G>C. VCF-style: chr18-12725530-G-C. GRCh37 (hg19) VCF-style: chr18-12725529-G-C.
Other names: c.701G>C, p.Ter234Ser (NM_147163.2).
Identifiers: ClinVar variation 3651124 (VCV003651124.2).